The following is an entry in ClinVar:

ClinVar aggregate classification (germline): Pathogenic (1 of 4 stars; one submission).

Submission:

Labcorp Genetics (formerly Invitae), Labcorp
Classification: Pathogenic. Last evaluated: 2024-02-13. Review status: criteria provided, single submitter. Criteria: Invitae Variant Classification Sherloc (09022015). Collection method: clinical testing. Allele origin: germline.
Comment: This sequence change creates a premature translational stop signal (p.Glu451Aspfs*25) in the UBR1 gene. It is expected to result in an absent or disrupted protein product. Loss-of-function variants in UBR1 are known to be pathogenic (PMID: 24599544). This variant is not present in population databases (gnomAD no frequency). This variant has not been reported in the literature in individuals affected with UBR1-related conditions. For these reasons, this variant has been classified as Pathogenic.

Literature cited by the submitters: PubMed 24599544.

NM_174916.3(UBR1):c.1353del (p.Glu451fs)

Gene: UBR1 (ubiquitin protein ligase E3 component n-recognin 1; minus strand). Cytogenetic location: 15q15.2.
Variant type: Deletion.
Coding change: c.1353del on transcript NM_174916.3 (MANE Select); coding-DNA position 1353, one base deleted (G; older notation c.1353delG).
Protein change: p.Glu451fs; shifts the reading frame from glutamic acid 451.
Molecular consequence: frameshift variant.
Genome position (GRCh38, 1-based): chr15:43,054,828, C deleted on the plus strand (G on the coding strand, the reverse complement: UBR1 is on the minus strand). VCF-style (leftmost placement, unchanged base first): chr15-43054827-AC-A. GRCh37 (hg19) VCF-style: chr15-43347025-AC-A.
Other names: short protein forms E451fs.
Identifiers: ClinVar variation 3640549 (VCV003640549.2).
Genomic context (GRCh38, chr15:43,054,827, plus strand): 5'-CTCTTCCCAATTTGTCCTGGCTATAACCCTGGAAGTTGAATTTATTGTTCCTGTCCAAGT[AC>A]TCAGGTAAAACTTCTAGCAGAGTTTCAGTAATGACAGAGATAACATTCTGCTCTTCAATA-3'